The following is an entry in ClinVar:

NM_003640.5(ELP1):c.2005T>C (p.Ser669Pro)

Gene: ELP1 (elongator acetyltransferase complex subunit 1; minus strand). Cytogenetic location: 9q31.3.
Variant type: single nucleotide variant.
Coding change: c.2005T>C on transcript NM_003640.5 (MANE Select); coding-DNA position 2005, T replaced by C.
Protein change: p.Ser669Pro; replaces serine 669 with proline.
Molecular consequence: missense variant.
Genome position (GRCh38, 1-based): chr9:108,901,434, A>G on the plus strand (T>C on the coding strand, the complement: ELP1 is on the minus strand). VCF-style: chr9-108901434-A-G. GRCh37 (hg19) VCF-style: chr9-111663714-A-G.
Other names: c.2005T>C (LRG_251t1); c.1663T>C, p.Ser555Pro (NM_001318360.2); c.958T>C, p.Ser320Pro (NM_001330749.2); short protein forms S320P, S555P, S669P.
Identifiers: ClinVar variation 640179 (VCV000640179.9), dbSNP rs1587896793, ClinGen allele CA374423933.
Genomic context (GRCh38, chr9:108,901,434, plus strand): 5'-CAAAAGACATTGGAGAAGGGACCATTTCTGTTTTATACATTGAAAACTTACTTTTAAATG[A>G]AGCATCCCTCAGGCAAAAACACTGGCAGGTATGGGAATGGGTTGTCAACAATAAAAACTC-3'
Protein context (NP_003631.2, residues 659-679): TCQCFCLRDA[Ser669Pro]FKTLQAGLSS

ClinVar aggregate classification (germline): Uncertain significance. Review status: criteria provided, single submitter (1 of 4 stars). 2 submissions from 2 submitters: Uncertain significance (1). 1 of the submissions does not count toward it. Last evaluated 2018-11-07.

Conditions:
Familial dysautonomia. Also called: HSAN III; FD. Identifiers: Orphanet 1764, MedGen C0013364, MONDO:0009131, OMIM 223900. Disease mechanism: loss of function.

Submissions (2):

Labcorp Genetics (formerly Invitae), Labcorp
Classification: Uncertain significance. Last evaluated: 2018-11-07. Review status: criteria provided, single submitter. Criteria: Invitae Variant Classification Sherloc (09022015). Collection method: clinical testing. Allele origin: germline.
Comment: In summary, the available evidence is currently insufficient to determine the role of this variant in disease. Therefore, it has been classified as a Variant of Uncertain Significance. Algorithms developed to predict the effect of missense changes on protein structure and function (SIFT, PolyPhen-2, Align-GVGD) all suggest that this variant is likely to be tolerated, but these predictions have not been confirmed by published functional studies and their clinical significance is uncertain. This variant has not been reported in the literature in individuals with ELP1-related disease. This variant is not present in population databases (ExAC no frequency). This sequence change replaces serine with proline at codon 669 of the ELP1 protein (p.Ser669Pro). The serine residue is moderately conserved and there is a moderate physicochemical difference between serine and proline.

Natera, Inc.
Classification: Uncertain significance for Familial dysautonomia. Last evaluated: 2021-08-16. Review status: no assertion criteria provided. Collection method: clinical testing. Allele origin: germline. Not counted in ClinVar's aggregate classification.